The following is an entry in ClinVar:

ClinVar aggregate classification (germline): Uncertain significance (1 of 4 stars; one submission).

Conditions:
GJA3-related disorder. Also called: GJA3-related condition.

Submission:

PreventionGenetics, part of Exact Sciences
Classification: Uncertain significance for GJA3-related condition. Last evaluated: 2025-06-26. Review status: criteria provided, single submitter. Criteria: ACMG Guidelines, 2015. Collection method: clinical testing. Allele origin: germline.
Comment: The GJA3 c.69G>T variant is predicted to result in the amino acid substitution p.Lys23Asn. To our knowledge, this variant has not been reported in the literature or in a large population database (gnomAD), indicating this variant is rare. At this time, the clinical significance of this variant is uncertain due to the absence of conclusive functional and genetic evidence.

NM_021954.4(GJA3):c.69G>T (p.Lys23Asn)

Gene: GJA3 (gap junction protein alpha 3; minus strand). Cytogenetic location: 13q12.11.
Variant type: single nucleotide variant.
Coding change: c.69G>T on transcript NM_021954.4 (MANE Select); coding-DNA position 69, G replaced by T.
Protein change: p.Lys23Asn; replaces lysine 23 with asparagine.
Molecular consequence: missense variant.
Genome position (GRCh38, 1-based): chr13:20,143,220, C>A on the plus strand (G>T on the coding strand, the complement: GJA3 is on the minus strand). VCF-style: chr13-20143220-C-A. GRCh37 (hg19) VCF-style: chr13-20717359-C-A.
Other names: short protein forms K23N.
Identifiers: ClinVar variation 5000559 (VCV005000559.1).